The following is an entry in ClinVar:

NM_000492.4(CFTR):c.4268A>G (p.Gln1423Arg)

Genes: CFTR (CF transmembrane conductance regulator; plus strand), LOC111674477 (CFTR intron 23 enhancer; plus strand). Cytogenetic location: 7q31.2.
Variant type: single nucleotide variant.
Coding change: c.4268A>G on transcript NM_000492.4 (MANE Select); coding-DNA position 4268, A replaced by G.
Protein change: p.Gln1423Arg; replaces glutamine 1423 with arginine.
Molecular consequence: missense variant.
Genome position (GRCh38, 1-based): chr7:117,666,933, A>G. VCF-style: chr7-117666933-A-G. GRCh37 (hg19) VCF-style: chr7-117306987-A-G.
Other names: short protein forms Q1423R.
Identifiers: ClinVar variation 1739215 (VCV001739215.4), dbSNP rs2485185496, ClinGen allele CA368984482.
Genomic context (GRCh38, chr7:117,666,933, plus strand): 5'-TCTGTCCCAGATCTCACTAACAGCCATTTCCCTAGGTCATAGAAGAGAACAAAGTGCGGC[A>G]GTACGATTCCATCCAGAAACTGCTGAACGAGAGGAGCCTCTTCCGGCAAGCCATCAGCCC-3'
Protein context (NP_000483.3, residues 1413-1433): FLVIEENKVR[Gln1423Arg]YDSIQKLLNE

ClinVar aggregate classification (germline): Uncertain significance. Review status: criteria provided, multiple submitters, no conflicts (2 of 4 stars). 2 submissions from 2 submitters: Uncertain significance (2). Last evaluated 2026-04-22.

Conditions:
Cystic fibrosis diagnostic test.
Cystic fibrosis (CF). Also called: MUCOVISCIDOSIS. Identifiers: Orphanet 586, MedGen C0010674, MONDO:0009061, OMIM 219700. Disease mechanism: loss of function.

Submissions (2):

NHS Central & South Genomic Laboratory Hub
Classification: Uncertain significance for Cystic fibrosis diagnostic test. Last evaluated: 2026-04-22. Review status: criteria provided, single submitter. Criteria: ACMG Guidelines, 2015. Collection method: clinical testing. Allele origin: germline. Affected: yes.

Ambry Genetics
Classification: Uncertain significance for Cystic fibrosis. Last evaluated: 2024-05-15. Review status: criteria provided, single submitter. Criteria: Ambry Variant Classification Scheme 2023. Collection method: clinical testing. Allele origin: germline.
Comment: The p.Q1423R variant (also known as c.4268A>G), located in coding exon 27 of the CFTR gene, results from an A to G substitution at nucleotide position 4268. The glutamine at codon 1423 is replaced by arginine, an amino acid with highly similar properties. This amino acid position is conserved. In addition, the in silico prediction for this alteration is inconclusive. Since supporting evidence is limited at this time, the clinical significance of this alteration remains unclear.